The following is an entry in ClinVar:

NM_004004.6(GJB2):c.249C>G (p.Phe83Leu)

Gene: GJB2 (gap junction protein beta 2; minus strand). Cytogenetic location: 13q12.11.
Variant type: single nucleotide variant.
Coding change: c.249C>G on transcript NM_004004.6 (MANE Select); coding-DNA position 249, C replaced by G.
Protein change: p.Phe83Leu; replaces phenylalanine 83 with leucine.
Molecular consequence: missense variant.
Genome position (GRCh38, 1-based): chr13:20,189,333, G>C on the plus strand (C>G on the coding strand, the complement: GJB2 is on the minus strand). VCF-style: chr13-20189333-G-C. GRCh37 (hg19) VCF-style: chr13-20763472-G-C.
Other names: short protein forms F83L.
Identifiers: ClinVar variation 44732 (VCV000044732.50), dbSNP rs111033218, ClinGen allele CA134955.

ClinVar aggregate classification (germline): Benign/Likely benign. Review status: criteria provided, multiple submitters, no conflicts (2 of 4 stars). 19 submissions from 17 submitters: Benign (3); Likely benign (12). 4 of the submissions do not count toward it. Last evaluated 2026-03-01.

Conditions:
Ichthyosis, hystrix-like, with hearing loss. Also called: Hystrix-like ichthyosis with deafness. Identifiers: Orphanet 477, MedGen C1865234, MONDO:0011245.
Palmoplantar keratoderma-deafness syndrome. Also called: Keratoderma palmoplantar, with deafness; Palmoplantar keratoderma and sensorineural deafness; Hereditary palmoplantar keratoderma with deafness (subtype); Focal palmoplantar keratoderma with sensorineural deafness (subtype); Diffuse palmoplantar keratoderma with deafness (subtype). Identifiers: Orphanet 2202, MedGen C1835672, MONDO:0007852, OMIM 148350.
Knuckle pads, deafness AND leukonychia syndrome. Also called: Bart-Pumphrey syndrome. Identifiers: Orphanet 2698, MedGen C0266004, MONDO:0007866, OMIM 149200.
X-linked mixed hearing loss with perilymphatic gusher. Also called: Gusher syndrome; NANCE DEAFNESS; PERILYMPHATIC GUSHER-DEAFNESS SYNDROME; SENSORINEURAL DEAFNESS, PROFOUND, WITH OR WITHOUT A CONDUCTIVE COMPONENT, ASSOCIATED WITH A UNIQUE DEVELOPMENTAL ABNORMALITY OF THE EAR; Deafness, X-linked 2. Identifiers: Orphanet 383, MedGen C1844678, MONDO:0010576, OMIM 304400.
Mutilating keratoderma (VOWNKL). Also called: Keratoderma hereditarium mutilans. Identifiers: Orphanet 494, MedGen C0265964, MONDO:0007422, OMIM 124500.
Autosomal recessive nonsyndromic hearing loss 1A (DFNB1A). Also called: Connexin 26 deafness; Deafness nonsyndromic, Connexin 26 linked; GJB6-Related DFNB 1 Nonsyndromic Hearing Loss and Deafness; Deafness, autosomal recessive 1A; Nonsyndromic Hearing Loss and Deafness, DFNB1; GJB2-Related Autosomal Recessive Nonsyndromic Hearing Loss. Identifiers: Orphanet 90636, MedGen C2673759, MONDO:0009076, OMIM 220290.
Autosomal dominant keratitis-ichthyosis-hearing loss syndrome. Also called: Senter syndrome; KID SYNDROME, AUTOSOMAL DOMINANT; HID SYNDROME. Identifiers: Orphanet 477, MedGen C0265336, MONDO:0007850, OMIM 148210.
Autosomal dominant nonsyndromic hearing loss 3A. Identifiers: Orphanet 90635, MedGen C2675750, MONDO:0011103, OMIM 601544.
GJB2-related disorder. Also called: GJB2-related condition; GJB2-related disorders. Identifiers: MedGen CN382183, MONDO:1060236.
Nonsyndromic genetic hearing loss. Also called: Nonsyndromic hearing loss and deafness; Non-syndromic genetic deafness; Nonsyndromic genetic deafness. Identifiers: Orphanet 87884, MedGen C5680182, MONDO:0019497.

Allele frequency attached by ClinVar (database versions not stated): ESP Exome Variant Server 0.00238; 1000 Genomes Project 0.00040; 1000 Genomes Project 30x 0.00047; gnomAD 0.00140 and 0.00150; TOPMed 0.00147.

Submissions (19):

CeGaT Center for Human Genetics Tuebingen
Classification: Likely benign. Last evaluated: 2026-03-01. Review status: criteria provided, single submitter. Criteria: CeGaT Center For Human Genetics Tuebingen Variant Classification Criteria Version 2. Collection method: clinical testing. Allele origin: germline. Affected: yes. Observed: 1 variant allele.
Comment: GJB2: PP3, BS1

Labcorp Genetics (formerly Invitae), Labcorp
Classification: Likely benign. Last evaluated: 2026-02-04. Review status: criteria provided, single submitter. Criteria: Invitae Variant Classification Sherloc (09022015). Collection method: clinical testing. Allele origin: germline.

Blueprint Genetics
Classification: Likely benign. Last evaluated: 2024-11-19. Review status: criteria provided, single submitter. Criteria: ACMG Guidelines, 2015. Collection method: clinical testing. Allele origin: germline.

ARUP Laboratories, Molecular Genetics and Genomics, ARUP Laboratories
Classification: Benign. Last evaluated: 2022-09-13. Review status: criteria provided, single submitter. Criteria: ARUP Molecular Germline Variant Investigation Process 2021. Collection method: clinical testing. Allele origin: germline.

Fulgent Genetics
Classification: Likely benign for Mutilating keratoderma; Autosomal dominant keratitis-ichthyosis-hearing loss syndrome; Palmoplantar keratoderma-deafness syndrome; Knuckle pads, deafness AND leukonychia syndrome; Autosomal recessive nonsyndromic hearing loss 1A; X-linked mixed hearing loss with perilymphatic gusher; Autosomal dominant nonsyndromic hearing loss 3A. Last evaluated: 2021-11-01. Review status: criteria provided, single submitter. Criteria: ACMG Guidelines, 2015. Collection method: clinical testing. Allele origin: unknown.

INGEBI, INGEBI / CONICET
Classification: Likely benign for Nonsyndromic hearing loss and deafness. Last evaluated: 2020-08-31. Review status: criteria provided, single submitter. Criteria: ClinGen HL ACMG Specifications v1. Collection method: clinical testing. Allele origin: germline. Inheritance: Autosomal recessive inheritance. Affected: yes. Observed: 2 variant alleles, 2 heterozygotes. Clinical features observed: Prelingual profound hearing loss.
Comment: Based on ACMG/AMP guidelines and Hearing Loss Expert Panel specific criteria: the filtering allele frequency of c.249C>G variant (p.Phe83Leu) in GJB2 gene is 0,28% (404/ 29116 European non-Finnish chromosomes with 95% CI) from Genome Aggregation Database (calculated by using inverse allele frequency at an online resource), which meets the allele frequency threshold defined by the ClinGen Hearing Loss Expert Panel for considering supporting evidence against pathogenicity for autosomal recessive hearing loss variants (BS1_Supporting). The p.Phe83Leu change has been identified in trans with a pathogenic dominant variant in a family case with KID syndrome applying to BP2 rule (PMID: 10633135). Functional studies demonstrated that p.Phe83Leu mutant generated electrical conductance like the wild type in Xenopus laevis oocytes. Besides, 100% of dye transfer was detected in HeLa cells expressing p.Phe83Leu mutant (PMID:12505163). Hence, this evidence meets BS3_Sup standard. Therefore, this variant meets criteria to be classified as likely benign for autosomal recessive non-syndromic hearing loss: (BS1_Supporting, BP2 and BS3_Supporting).

GeneDx
Classification: Likely benign. Last evaluated: 2020-07-23. Review status: criteria provided, single submitter. Criteria: GeneDx Variant Classification Process June 2021. Collection method: clinical testing. Allele origin: germline. Affected: yes.
Comment: This variant is associated with the following publications: (PMID: 22995991, 9600457, 26778469, 30828346, 25262649, 20956747, 15070423, 12505163, 24158611, 20981092, 12325027, 25388846, 30245029, 33096615)

Athena Diagnostics
Classification: Likely benign. Last evaluated: 2019-02-18. Review status: criteria provided, single submitter. Criteria: Athena Diagnostics Criteria. Collection method: clinical testing. Allele origin: germline.

Genomic Diagnostic Laboratory, Division of Genomic Diagnostics, Children's Hospital of Philadelphia
Classification: Likely benign for Deafness, autosomal recessive 1A. Last evaluated: 2017-05-09. Review status: criteria provided, single submitter. Criteria: DGD Variant Analysis Guidelines. Collection method: clinical testing. Allele origin: germline. Affected: yes and no. Observed: 3 variant alleles.

Illumina Laboratory Services, Illumina
Classification: Likely benign for Autosomal recessive nonsyndromic hearing loss 1A. Last evaluated: 2017-04-27. Review status: criteria provided, single submitter. Criteria: ICSL Variant Classification Criteria 13 December 2019. Collection method: clinical testing. Allele origin: germline.
Comment: This variant was observed as part of a predisposition screen in an ostensibly healthy population. A literature search was performed for the gene, cDNA change, and amino acid change (where applicable). No publications were found based on this search. Allele frequency data from public databases allowed determination this variant is unlikely to cause disease. Therefore, this variant is classified as likely benign.

Illumina Laboratory Services, Illumina
Classification: Likely benign for Autosomal dominant keratitis-ichthyosis-hearing loss syndrome. Last evaluated: 2017-04-27. Review status: criteria provided, single submitter. Criteria: ICSL Variant Classification Criteria 13 December 2019. Collection method: clinical testing. Allele origin: germline.
Comment: the same text as in the submission from Illumina Laboratory Services, Illumina above.

Illumina Laboratory Services, Illumina
Classification: Likely benign for Autosomal dominant nonsyndromic hearing loss 3A. Last evaluated: 2017-04-27. Review status: criteria provided, single submitter. Criteria: ICSL Variant Classification Criteria 13 December 2019. Collection method: clinical testing. Allele origin: germline.
Comment: the same text as in the submission from Illumina Laboratory Services, Illumina above.

Eurofins Ntd Llc (ga)
Classification: Benign. Last evaluated: 2015-02-11. Review status: criteria provided, single submitter. Criteria: EGL Classification Definitions 2015. Collection method: clinical testing. Allele origin: germline. Observed: 2 variant alleles, 2 heterozygotes.

Laboratory for Molecular Medicine, Mass General Brigham Personalized Medicine
Classification: Benign. Last evaluated: 2012-06-26. Review status: criteria provided, single submitter. Criteria: LMM Criteria. Collection method: clinical testing. Allele origin: germline. Observed: 16 variant alleles.
Comment: Phe83Leu in exon 2 of GJB2: This variant is not expected to have clinical signif icance because it has been identified in 0.3% (28/8572) of European American chr omosomes and 0.07% (3/4403) of African American chromosomes from a broad populat ion by the NHLBI Exome sequencing project (db SNP rs111033218). In addition, this has been observed at equal frequencies in af fected individuals and controls (Scott 1998, Heathcote 2000, Prasad 2000, Rabion et 2000, Pandya 2003, Bruzzone 2003, Frei 2004, Roux 2004, Sinnathuray 2004, Che ng 2005, Santos 2005, Frei 2006, Tang 2006, Ramsebner 2007, Ross 2007, Picotti 2 009, Lee 2009, Kimani 2010). Furthermore, functional studies revealed that the v ariant protein behaves similar to that of the wild type protein (Bruzzone 2003).

Breakthrough Genomics
Classification: Likely benign. Review status: criteria provided, single submitter. Criteria: ACMG Guidelines, 2015. Collection method: not provided. Allele origin: germline. Inheritance: Autosomal recessive inheritance. Affected: yes.

Natera, Inc.
Classification: Benign for Autosomal recessive deafness type 1A. Last evaluated: 2020-04-19. Review status: no assertion criteria provided. Collection method: clinical testing. Allele origin: germline. Not counted in ClinVar's aggregate classification.

PreventionGenetics, part of Exact Sciences
Classification: Likely benign for GJB2-related condition. Last evaluated: 2020-02-28. Review status: no assertion criteria provided. Collection method: clinical testing. Allele origin: germline. Not counted in ClinVar's aggregate classification.
Comment: This variant is classified as likely benign based on ACMG/AMP sequence variant interpretation guidelines (Richards et al. 2015 PMID: 25741868, with internal and published modifications).

Clinical Genetics DNA and cytogenetics Diagnostics Lab, Erasmus MC, Erasmus Medical Center
Classification: Likely benign. Review status: no assertion criteria provided. Collection method: clinical testing. Allele origin: germline. Affected: yes. Study: VKGL Data-share Consensus. Not counted in ClinVar's aggregate classification.

Joint Genome Diagnostic Labs from Nijmegen and Maastricht, Radboudumc and MUMC+
Classification: Likely benign. Review status: no assertion criteria provided. Collection method: clinical testing. Allele origin: germline. Affected: yes. Study: VKGL Data-share Consensus. Not counted in ClinVar's aggregate classification.

Literature cited by the submitters: PubMed 12505163 (cited by 3 submitters); PubMed 10633135 (cited by Athena Diagnostics and Laboratory for Molecular Medicine, Mass General Brigham Personalized Medicine); PubMed 17426645 (cited by Athena Diagnostics and Laboratory for Molecular Medicine, Mass General Brigham Personalized Medicine); PubMed 15547422 (cited by Athena Diagnostics and Laboratory for Molecular Medicine, Mass General Brigham Personalized Medicine); PubMed 9600457 (cited by Athena Diagnostics and Laboratory for Molecular Medicine, Mass General Brigham Personalized Medicine); PubMed 10982180 (cited by Laboratory for Molecular Medicine, Mass General Brigham Personalized Medicine); PubMed 12865758 (cited by Laboratory for Molecular Medicine, Mass General Brigham Personalized Medicine); PubMed 15464308 (cited by Laboratory for Molecular Medicine, Mass General Brigham Personalized Medicine); PubMed 15070423 (cited by Laboratory for Molecular Medicine, Mass General Brigham Personalized Medicine); PubMed 16222667 (cited by Laboratory for Molecular Medicine, Mass General Brigham Personalized Medicine); PubMed 15656949 (cited by Laboratory for Molecular Medicine, Mass General Brigham Personalized Medicine); PubMed 15744158 (cited by Laboratory for Molecular Medicine, Mass General Brigham Personalized Medicine); PubMed 17041943 (cited by Laboratory for Molecular Medicine, Mass General Brigham Personalized Medicine); PubMed 17485979 (cited by Laboratory for Molecular Medicine, Mass General Brigham Personalized Medicine); PubMed 18668259 (cited by Laboratory for Molecular Medicine, Mass General Brigham Personalized Medicine); PubMed 19235794 (cited by Laboratory for Molecular Medicine, Mass General Brigham Personalized Medicine); PubMed 20956747 (cited by Laboratory for Molecular Medicine, Mass General Brigham Personalized Medicine); PubMed 11102979 (cited by Laboratory for Molecular Medicine, Mass General Brigham Personalized Medicine).